The following is an entry in ClinVar:

NM_024529.5(CDC73):c.1195C>G (p.Arg399Gly)

Gene: CDC73 (cell division cycle 73; plus strand). Cytogenetic location: 1q31.2.
Variant type: single nucleotide variant.
Coding change: c.1195C>G on transcript NM_024529.5 (MANE Select); coding-DNA position 1195, C replaced by G.
Protein change: p.Arg399Gly; replaces arginine 399 with glycine.
Molecular consequence: missense variant.
Genome position (GRCh38, 1-based): chr1:193,233,033, C>G. VCF-style: chr1-193233033-C-G. GRCh37 (hg19) VCF-style: chr1-193202163-C-G.
Other names: short protein forms R399G.
Identifiers: ClinVar variation 947275 (VCV000947275.10), dbSNP rs1677688362, ClinGen allele CA344077799.

ClinVar aggregate classification (germline): Uncertain significance (1 of 4 stars; one submission).

Conditions:
Parathyroid carcinoma (PRTC). Also called: CDC73-Related Parathyroid Carcinoma; Parathyroid gland carcinoma. Identifiers: Orphanet 143, MedGen C0687150, MONDO:0012004, OMIM 608266, HP:0006780.

Submission:

Labcorp Genetics (formerly Invitae), Labcorp
Classification: Uncertain significance for Parathyroid carcinoma. Last evaluated: 2019-05-02. Review status: criteria provided, single submitter. Criteria: Invitae Variant Classification Sherloc (09022015). Collection method: clinical testing. Allele origin: germline.
Comment: This sequence change replaces arginine with glycine at codon 399 of the CDC73 protein (p.Arg399Gly). The arginine residue is moderately conserved and there is a moderate physicochemical difference between arginine and glycine. This variant is not present in population databases (ExAC no frequency). In summary, the available evidence is currently insufficient to determine the role of this variant in disease. Therefore, it has been classified as a Variant of Uncertain Significance. Algorithms developed to predict the effect of missense changes on protein structure and function are either unavailable or do not agree on the potential impact of this missense change (SIFT: "Deleterious"; PolyPhen-2: "Possibly Damaging"; Align-GVGD: "Class C0"). This variant has not been reported in the literature in individuals with CDC73-related conditions.